The following is an entry in ClinVar:

ClinVar aggregate classification (germline): Uncertain significance (1 of 4 stars; one submission).

gnomAD v4.1: 2 of 1,613,814 alleles (0.00012%); highest among the groups gnomAD compares: African/African-American, 0.0027%; no homozygotes.

Submission:

GeneDx
Classification: Uncertain significance. Last evaluated: 2024-10-15. Review status: criteria provided, single submitter. Criteria: GeneDx Variant Classification Process June 2021. Collection method: clinical testing. Allele origin: germline. Affected: yes.
Comment: Not observed at significant frequency in large population cohorts (gnomAD); In silico analysis indicates that this missense variant does not alter protein structure/function; Has not been previously published as pathogenic or benign to our knowledge

NM_001256071.3(RNF213):c.10342T>G (p.Ser3448Ala)

Genes: RNF213 (ring finger protein 213; plus strand), RNF213-AS1 (RNF213 antisense RNA 1; minus strand). Cytogenetic location: 17q25.3.
Variant type: single nucleotide variant.
Coding change: c.10342T>G on transcript NM_001256071.3 (MANE Select); coding-DNA position 10342, T replaced by G.
Protein change: p.Ser3448Ala; replaces serine 3448 with alanine.
Molecular consequence: missense variant. On other transcripts: non-coding transcript variant (1).
Genome position (GRCh38, 1-based): chr17:80,352,978, T>G. VCF-style: chr17-80352978-T-G. GRCh37 (hg19) VCF-style: chr17-78326778-T-G.
Other names: c.10489T>G, p.Ser3497Ala (NM_001410195.1, NM_020914.5); short protein forms S3497A, S3448A.
Identifiers: ClinVar variation 3781144 (VCV003781144.1).